The following is an entry in ClinVar:

ClinVar aggregate classification (germline): Conflicting classifications of pathogenicity. Review status: criteria provided, conflicting classifications (1 of 4 stars). 4 submissions from 4 submitters: Uncertain significance (3); Likely benign (1). Last evaluated 2026-03-23.

Conditions:
Myofibrillar myopathy 5. Also called: Filaminopathy (type); FILAMINOPATHY, AUTOSOMAL DOMINANT. Identifiers: Orphanet 171445, MedGen C1836050, MONDO:0012289, OMIM 609524.
Hypertrophic cardiomyopathy 26. Also called: Cardiomyopathy, familial hypertrophic, 26. Identifiers: Orphanet 75249, MedGen C4310749, MONDO:0014883, OMIM 617047.
Distal myopathy with posterior leg and anterior hand involvement. Also called: WILLIAMS DISTAL MYOPATHY. Identifiers: Orphanet 63273, MedGen C3279722, MONDO:0013550, OMIM 614065.
Cardiovascular phenotype. Identifiers: MedGen CN230736.

gnomAD v4.1: 9 of 1,614,090 alleles (0.00056%); highest among the groups gnomAD compares: East Asian, 0.0022%; no homozygotes.

Submissions (4):

GeneDx
Classification: Uncertain significance. Last evaluated: 2026-03-23. Review status: criteria provided, single submitter. Criteria: GeneDx Variant Classification Process June 2021. Collection method: clinical testing. Allele origin: germline.
Comment: Not observed at significant frequency in large population cohorts (gnomAD); In silico analysis suggests that this missense variant does not alter protein structure/function; Has not been previously published as pathogenic or benign to our knowledge

Labcorp Genetics (formerly Invitae), Labcorp
Classification: Uncertain significance for Distal myopathy with posterior leg and anterior hand involvement; Myofibrillar myopathy 5; Hypertrophic cardiomyopathy 26. Last evaluated: 2025-12-31. Review status: criteria provided, single submitter. Criteria: Invitae Variant Classification Sherloc (09022015). Collection method: clinical testing. Allele origin: germline.
Comment: This sequence change replaces serine, which is neutral and polar, with asparagine, which is neutral and polar, at codon 506 of the FLNC protein (p.Ser506Asn). This variant is not present in population databases (gnomAD no frequency). This variant has not been reported in the literature in individuals affected with FLNC-related conditions. ClinVar contains an entry for this variant (Variation ID: 539386). Invitae Evidence Modeling of protein sequence and biophysical properties (such as structural, functional, and spatial information, amino acid conservation, physicochemical variation, residue mobility, and thermodynamic stability) has been performed for this missense variant. However, the output from this modeling did not meet the statistical confidence thresholds required to predict the impact of this variant on FLNC protein function. In summary, the available evidence is currently insufficient to determine the role of this variant in disease. Therefore, it has been classified as a Variant of Uncertain Significance.

Ambry Genetics
Classification: Likely benign for Cardiovascular phenotype. Last evaluated: 2025-11-12. Review status: criteria provided, single submitter. Criteria: Ambry Variant Classification Scheme 2023. Collection method: clinical testing. Allele origin: germline.

Mayo Clinic Laboratories, Mayo Clinic
Classification: Uncertain significance. Last evaluated: 2024-06-07. Review status: criteria provided, single submitter. Criteria: ACMG Guidelines, 2015. Collection method: clinical testing. Allele origin: germline. Observed: 1 variant allele.
Comment: PM2

NM_001458.5(FLNC):c.1517G>A (p.Ser506Asn)

Gene: FLNC (filamin C; plus strand). Cytogenetic location: 7q32.1.
Variant type: single nucleotide variant.
Coding change: c.1517G>A on transcript NM_001458.5 (MANE Select); coding-DNA position 1517, G replaced by A.
Protein change: p.Ser506Asn; replaces serine 506 with asparagine.
Molecular consequence: missense variant.
Genome position (GRCh38, 1-based): chr7:128,840,128, G>A. VCF-style: chr7-128840128-G-A. GRCh37 (hg19) VCF-style: chr7-128480182-G-A.
Other names: p.Ser506Asn; c.1517G>A, p.Ser506Asn (NM_001127487.2); short protein forms S506N.
Identifiers: ClinVar variation 539386 (VCV000539386.12), dbSNP rs1554398094, ClinGen allele CA369225796.